The following is an entry in ClinVar:

ClinVar aggregate classification (germline): Uncertain significance. Review status: criteria provided, multiple submitters, no conflicts (2 of 4 stars). 5 submissions from 5 submitters: Uncertain significance (5). Last evaluated 2026-08-01.

Conditions:
Focal segmental glomerulosclerosis 6 (FSGS6). Identifiers: Orphanet 656, MedGen C3279905, MONDO:0013589, OMIM 614131.
Inborn genetic diseases. Identifiers: MedGen C0950123, MeSH D030342.

Allele frequency attached by ClinVar (database versions not stated): ExAC 0.00003.
gnomAD v4.1: 32 of 1,614,028 alleles (0.002%); highest among the groups gnomAD compares: Admixed American, 0.0083%; no homozygotes.

Submissions (5):

CeGaT Center for Human Genetics Tuebingen
Classification: Uncertain significance. Last evaluated: 2026-08-01. Review status: criteria provided, single submitter. Criteria: CeGaT Center For Human Genetics Tuebingen Variant Classification Criteria Version 2. Collection method: clinical testing. Allele origin: germline. Affected: yes. Observed: 1 variant allele.
Comment: MYO1E: PM2

Ambry Genetics
Classification: Uncertain significance for Inborn genetic diseases. Last evaluated: 2025-05-13. Review status: criteria provided, single submitter. Criteria: Ambry Variant Classification Scheme 2023. Collection method: clinical testing. Allele origin: germline.

GeneDx
Classification: Uncertain significance. Last evaluated: 2025-04-23. Review status: criteria provided, single submitter. Criteria: GeneDx Variant Classification Process June 2021. Collection method: clinical testing. Allele origin: germline. Affected: yes.
Comment: In silico analysis indicates that this missense variant does not alter protein structure/function; Has not been previously published as pathogenic or benign to our knowledge

Fulgent Genetics
Classification: Uncertain significance for Focal segmental glomerulosclerosis 6. Last evaluated: 2024-01-14. Review status: criteria provided, single submitter. Criteria: ACMG Guidelines, 2015. Collection method: clinical testing. Allele origin: germline.

Labcorp Genetics (formerly Invitae), Labcorp
Classification: Uncertain significance. Last evaluated: 2021-08-31. Review status: criteria provided, single submitter. Criteria: Invitae Variant Classification Sherloc (09022015). Collection method: clinical testing. Allele origin: germline.
Comment: This sequence change replaces proline with threonine at codon 1012 of the MYO1E protein (p.Pro1012Thr). The proline residue is highly conserved and there is a small physicochemical difference between proline and threonine. This variant is present in population databases (rs746556749, ExAC 0.009%). This variant has not been reported in the literature in individuals affected with MYO1E-related conditions. Algorithms developed to predict the effect of missense changes on protein structure and function (SIFT, PolyPhen-2, Align-GVGD) all suggest that this variant is likely to be tolerated. In summary, the available evidence is currently insufficient to determine the role of this variant in disease. Therefore, it has been classified as a Variant of Uncertain Significance.

NM_004998.4(MYO1E):c.3034C>A (p.Pro1012Thr)

Gene: MYO1E (myosin IE; minus strand). Cytogenetic location: 15q22.2.
Variant type: single nucleotide variant.
Coding change: c.3034C>A on transcript NM_004998.4 (MANE Select); coding-DNA position 3034, C replaced by A.
Protein change: p.Pro1012Thr; replaces proline 1012 with threonine.
Molecular consequence: missense variant.
Genome position (GRCh38, 1-based): chr15:59,153,636, G>T on the plus strand (C>A on the coding strand, the complement: MYO1E is on the minus strand). VCF-style: chr15-59153636-G-T. GRCh37 (hg19) VCF-style: chr15-59445835-G-T.
Other names: c.3034C>A (NM_004998.2); short protein forms P1012T.
Identifiers: ClinVar variation 1901664 (VCV001901664.6), dbSNP rs746556749, ClinGen allele CA7589049.
Genomic context (GRCh38, chr15:59,153,636, plus strand): 5'-TGTGAGAATCTTACCCTGCAGCTCCCTGGTCCGGGACCTTGAGGAAATCCAGGCTCTCTG[G>T]CGTCTGTGACACTCGGTCTGAACTGGTAGACTGCTGCCGAGGCAAGGGCGGGCGGGCCAT-3'
Protein context (NP_004989.2, residues 1002-1022): STSSDRVSQT[Pro1012Thr]ESLDFLKVPD